The following is an entry in ClinVar:

ClinVar aggregate classification (germline): Uncertain significance (1 of 4 stars; one submission).

Conditions:
Inborn genetic diseases. Identifiers: MedGen C0950123, MeSH D030342.

Submission:

Ambry Genetics
Classification: Uncertain significance for Inborn genetic diseases. Last evaluated: 2025-08-09. Review status: criteria provided, single submitter. Criteria: Ambry Variant Classification Scheme 2023. Collection method: clinical testing. Allele origin: germline.
Comment: The p.N183D variant (also known as c.547A>G), located in coding exon 2 of the PIK3CA gene, results from an A to G substitution at nucleotide position 547. The asparagine at codon 183 is replaced by aspartic acid, an amino acid with highly similar properties. This amino acid position is conserved. In addition, this alteration is predicted to be tolerated by in silico analysis. Based on the available evidence, the clinical significance of this variant remains unclear.

NM_006218.4(PIK3CA):c.547A>G (p.Asn183Asp)

Gene: PIK3CA (phosphatidylinositol-4,5-bisphosphate 3-kinase catalytic subunit alpha; plus strand). Cytogenetic location: 3q26.32.
Variant type: single nucleotide variant.
Coding change: c.547A>G on transcript NM_006218.4 (MANE Select); coding-DNA position 547, A replaced by G.
Protein change: p.Asn183Asp; replaces asparagine 183 with aspartic acid.
Molecular consequence: missense variant.
Genome position (GRCh38, 1-based): chr3:179,199,884, A>G. VCF-style: chr3-179199884-A-G. GRCh37 (hg19) VCF-style: chr3-178917672-A-G.
Other names: short protein forms N183D.
Identifiers: ClinVar variation 4136801 (VCV004136801.1).
Genomic context (GRCh38, chr3:179,199,884, plus strand): 5'-GCAATGTATGTCTATCCTCCAAATGTAGAATCTTCACCAGAATTGCCAAAGCACATATAT[A>G]ATAAATTAGATAAAGGTAAGAAAATGACTAATCTACTCTAATCATTACTATAGTGCAGTC-3'
Protein context (NP_006209.2, residues 173-193): SSPELPKHIY[Asn183Asp]KLDKGQIIVV